The following is an entry in ClinVar:

NM_024408.4(NOTCH2):c.7357C>T (p.Arg2453Trp)

Gene: NOTCH2 (notch receptor 2; minus strand). Cytogenetic location: 1p12.
Variant type: single nucleotide variant.
Coding change: c.7357C>T on transcript NM_024408.4 (MANE Select); coding-DNA position 7357, C replaced by T.
Protein change: p.Arg2453Trp; replaces arginine 2453 with tryptophan.
Molecular consequence: missense variant.
Genome position (GRCh38, 1-based): chr1:119,915,365, G>A on the plus strand (C>T on the coding strand, the complement: NOTCH2 is on the minus strand). VCF-style: chr1-119915365-G-A. GRCh37 (hg19) VCF-style: chr1-120457988-G-A.
Other names: short protein forms R2453W.
Identifiers: ClinVar variation 3707285 (VCV003707285.4).

ClinVar aggregate classification (germline): Uncertain significance. Review status: criteria provided, multiple submitters, no conflicts (2 of 4 stars). 4 submissions from 4 submitters: Uncertain significance (4). Last evaluated 2025-06-24.

Conditions:
NOTCH2-related disorder. Also called: NOTCH2-related condition.
Inborn genetic diseases. Identifiers: MedGen C0950123, MeSH D030342.
Hajdu-Cheney syndrome (HJCYS). Also called: SERPENTINE FIBULA-POLYCYSTIC KIDNEY SYNDROME; ACROOSTEOLYSIS WITH OSTEOPOROSIS AND CHANGES IN SKULL AND MANDIBLE; Acroosteolysis dominant type. Identifiers: Orphanet 955, MedGen C0917715, MONDO:0007057, OMIM 102500.

gnomAD v4.1: 8 of 1,614,110 alleles (0.0005%); highest among the groups gnomAD compares: Middle Eastern, 0.017%; no homozygotes.

Submissions (4):

PreventionGenetics, part of Exact Sciences
Classification: Uncertain significance for NOTCH2-related condition. Last evaluated: 2025-06-24. Review status: criteria provided, single submitter. Criteria: ACMG Guidelines, 2015. Collection method: clinical testing. Allele origin: germline.
Comment: The NOTCH2 c.7357C>T variant is predicted to result in the amino acid substitution p.Arg2453Trp. To our knowledge, this variant has not been reported in the literature. This variant is reported in 0.0054% of alleles in individuals of East Asian descent in gnomAD. At this time, the clinical significance of this variant is uncertain due to the absence of conclusive functional and genetic evidence.

Ambry Genetics
Classification: Uncertain significance for Inborn genetic diseases. Last evaluated: 2025-06-19. Review status: criteria provided, single submitter. Criteria: Ambry Variant Classification Scheme 2023. Collection method: clinical testing. Allele origin: germline.

GeneDx
Classification: Uncertain significance. Last evaluated: 2024-08-13. Review status: criteria provided, single submitter. Criteria: GeneDx Variant Classification Process June 2021. Collection method: clinical testing. Allele origin: germline. Affected: yes.
Comment: In silico analysis indicates that this missense variant does not alter protein structure/function; Has not been previously published as pathogenic or benign to our knowledge

Labcorp Genetics (formerly Invitae), Labcorp
Classification: Uncertain significance for Hajdu-Cheney syndrome. Last evaluated: 2024-08-13. Review status: criteria provided, single submitter. Criteria: Invitae Variant Classification Sherloc (09022015). Collection method: clinical testing. Allele origin: germline.
Comment: This sequence change replaces arginine, which is basic and polar, with tryptophan, which is neutral and slightly polar, at codon 2453 of the NOTCH2 protein (p.Arg2453Trp). This variant is present in population databases (rs587616520, gnomAD 0.006%). This variant has not been reported in the literature in individuals affected with NOTCH2-related conditions. Advanced modeling of protein sequence and biophysical properties (such as structural, functional, and spatial information, amino acid conservation, physicochemical variation, residue mobility, and thermodynamic stability) performed at Invitae indicates that this missense variant is not expected to disrupt NOTCH2 protein function with a negative predictive value of 95%. In summary, the available evidence is currently insufficient to determine the role of this variant in disease. Therefore, it has been classified as a Variant of Uncertain Significance.